The following is an entry in ClinVar:

ClinVar aggregate classification (germline): Uncertain significance (1 of 4 stars; one submission).

Conditions:
Martsolf syndrome (MARTS). Also called: Congenital cataract with intellectual disability and hypogonadotropic hypogonadism syndrome. Identifiers: Orphanet 1387, MedGen C0796037, MONDO:0023910.
Warburg micro syndrome 2 (WARBM2). Also called: MICRO SYNDROME 2. Identifiers: Orphanet 2510, MedGen C3280214, MONDO:0013641, OMIM 614225.

Allele frequency attached by ClinVar (database versions not stated): gnomAD exomes below 0.00001 and 0.00001; ExAC 0.00001; gnomAD 0.00001; 1000 Genomes Project 30x 0.00016; 1000 Genomes Project 0.00020.
gnomAD v4.1: 9 of 1,613,858 alleles (0.00056%); highest among the groups gnomAD compares: Non-Finnish European, 0.00076%; no homozygotes.

Submission:

Labcorp Genetics (formerly Invitae), Labcorp
Classification: Uncertain significance for Martsolf syndrome; Warburg micro syndrome 2. Last evaluated: 2022-08-16. Review status: criteria provided, single submitter. Criteria: Invitae Variant Classification Sherloc (09022015). Collection method: clinical testing. Allele origin: germline.
Comment: This variant is present in population databases (rs201655012, gnomAD 0.0009%). In summary, the available evidence is currently insufficient to determine the role of this variant in disease. Therefore, it has been classified as a Variant of Uncertain Significance. Algorithms developed to predict the effect of missense changes on protein structure and function are either unavailable or do not agree on the potential impact of this missense change (SIFT: "Deleterious"; PolyPhen-2: "Probably Damaging"; Align-GVGD: "Class C0"). ClinVar contains an entry for this variant (Variation ID: 1359065). This variant has not been reported in the literature in individuals affected with RAB3GAP2-related conditions. This sequence change replaces alanine, which is neutral and non-polar, with glycine, which is neutral and non-polar, at codon 488 of the RAB3GAP2 protein (p.Ala488Gly).

NM_012414.4(RAB3GAP2):c.1463C>G (p.Ala488Gly)

Gene: RAB3GAP2 (RAB3 GTPase activating non-catalytic protein subunit 2; minus strand). Cytogenetic location: 1q41.
Variant type: single nucleotide variant.
Coding change: c.1463C>G on transcript NM_012414.4 (MANE Select); coding-DNA position 1463, C replaced by G.
Protein change: p.Ala488Gly; replaces alanine 488 with glycine.
Molecular consequence: missense variant.
Genome position (GRCh38, 1-based): chr1:220,191,092, G>C on the plus strand (C>G on the coding strand, the complement: RAB3GAP2 is on the minus strand). VCF-style: chr1-220191092-G-C. GRCh37 (hg19) VCF-style: chr1-220364434-G-C.
Other names: short protein forms A488G.
Identifiers: ClinVar variation 1359065 (VCV001359065.6), dbSNP rs201655012, ClinGen allele CA1402693.